The following is an entry in ClinVar:

ClinVar aggregate classification (germline): Uncertain significance. Review status: criteria provided, multiple submitters, no conflicts (2 of 4 stars). 2 submissions from 2 submitters: Uncertain significance (2). Last evaluated 2022-08-02.

Conditions:
Early-onset Parkinson disease 20. Also called: PARKINSON DISEASE 20, AUTOSOMAL RECESSIVE EARLY-ONSET. Identifiers: Orphanet 391411, MedGen C3809824, MONDO:0014233, OMIM 615530.
Developmental and epileptic encephalopathy, 53. Also called: Epileptic encephalopathy, early infantile, 53. Identifiers: MedGen C4479313, MONDO:0033362, OMIM 617389.
Inborn genetic diseases. Identifiers: MedGen C0950123, MeSH D030342.

Allele frequency attached by ClinVar (database versions not stated): gnomAD 0.00001; gnomAD exomes 0.00001; TOPMed 0.00001; ExAC 0.00002.
gnomAD v4.1: 5 of 1,613,886 alleles (0.00031%); highest among the groups gnomAD compares: South Asian, 0.0033%; no homozygotes.

Submissions (2):

Ambry Genetics
Classification: Uncertain significance for Inborn genetic diseases. Last evaluated: 2022-08-02. Review status: criteria provided, single submitter. Criteria: Ambry Variant Classification Scheme 2023. Collection method: clinical testing. Allele origin: germline.

Labcorp Genetics (formerly Invitae), Labcorp
Classification: Uncertain significance for Developmental and epileptic encephalopathy, 53; Early-onset Parkinson disease 20. Last evaluated: 2022-07-25. Review status: criteria provided, single submitter. Criteria: Invitae Variant Classification Sherloc (09022015). Collection method: clinical testing. Allele origin: germline.
Comment: This variant has not been reported in the literature in individuals affected with SYNJ1-related conditions. In summary, the available evidence is currently insufficient to determine the role of this variant in disease. Therefore, it has been classified as a Variant of Uncertain Significance. Algorithms developed to predict the effect of missense changes on protein structure and function are either unavailable or do not agree on the potential impact of this missense change (SIFT: "Tolerated"; PolyPhen-2: "Probably Damaging"; Align-GVGD: "Class C0"). ClinVar contains an entry for this variant (Variation ID: 1014566). This variant is present in population databases (rs749741780, gnomAD 0.007%). This sequence change replaces arginine, which is basic and polar, with histidine, which is basic and polar, at codon 186 of the SYNJ1 protein (p.Arg186His).

NM_203446.3(SYNJ1):c.440G>A (p.Arg147His)

Gene: SYNJ1 (synaptojanin 1; minus strand). Cytogenetic location: 21q22.11.
Variant type: single nucleotide variant.
Coding change: c.440G>A on transcript NM_203446.3 (MANE Select); coding-DNA position 440, G replaced by A.
Protein change: p.Arg147His; replaces arginine 147 with histidine.
Molecular consequence: missense variant.
Genome position (GRCh38, 1-based): chr21:32,699,877, C>T on the plus strand (G>A on the coding strand, the complement: SYNJ1 is on the minus strand). VCF-style: chr21-32699877-C-T. GRCh37 (hg19) VCF-style: chr21-34072187-C-T.
Other names: c.440G>A, p.Arg147His (NM_001160302.2, NM_001160306.2); c.557G>A, p.Arg186His (NM_003895.4); short protein forms R147H, R186H.
Identifiers: ClinVar variation 1014566 (VCV001014566.10), dbSNP rs749741780, ClinGen allele CA10004139.